The following is an entry in ClinVar:

NM_006767.4(LZTR1):c.2114A>C (p.Gln705Pro)

Gene: LZTR1 (leucine zipper like post translational regulator 1; plus strand). Cytogenetic location: 22q11.21.
Variant type: single nucleotide variant.
Coding change: c.2114A>C on transcript NM_006767.4 (MANE Select); coding-DNA position 2114, A replaced by C.
Protein change: p.Gln705Pro; replaces glutamine 705 with proline.
Molecular consequence: missense variant.
Genome position (GRCh38, 1-based): chr22:20,996,007, A>C. VCF-style: chr22-20996007-A-C. GRCh37 (hg19) VCF-style: chr22-21350296-A-C.
Other names: c.2114A>C (NM_006767.3); short protein forms Q705P.
Identifiers: ClinVar variation 3241855 (VCV003241855.4), dbSNP rs1393621880.

ClinVar aggregate classification (germline): Uncertain significance. Review status: criteria provided, multiple submitters, no conflicts (2 of 4 stars). 3 submissions from 3 submitters: Uncertain significance (3). Last evaluated 2024-11-15.

Conditions:
Hereditary cancer-predisposing syndrome. Also called: Neoplastic Syndromes, Hereditary; Tumor predisposition; Hereditary neoplastic syndrome; Hereditary Cancer Syndrome. Identifiers: Orphanet 140162, MedGen C0027672, MeSH D009386, MONDO:0015356.
Cardiovascular phenotype. Identifiers: MedGen CN230736.
LZTR1-related schwannomatosis. Also called: Schwannomatosis 2; Schwannomatosis-2, susceptibility to. Identifiers: Orphanet 93921, MedGen C3810283, MONDO:0014299, OMIM 615670.

Allele frequency attached by ClinVar (database versions not stated): TOPMed 0.00001.

Submissions (3):

Labcorp Genetics (formerly Invitae), Labcorp
Classification: Uncertain significance. Last evaluated: 2024-11-15. Review status: criteria provided, single submitter. Criteria: Invitae Variant Classification Sherloc (09022015). Collection method: clinical testing. Allele origin: germline.
Comment: This sequence change replaces glutamine, which is neutral and polar, with proline, which is neutral and non-polar, at codon 705 of the LZTR1 protein (p.Gln705Pro). This variant is not present in population databases (gnomAD no frequency). This variant has not been reported in the literature in individuals affected with LZTR1-related conditions. ClinVar contains an entry for this variant (Variation ID: 3241855). Invitae Evidence Modeling of protein sequence and biophysical properties (such as structural, functional, and spatial information, amino acid conservation, physicochemical variation, residue mobility, and thermodynamic stability) indicates that this missense variant is not expected to disrupt LZTR1 protein function with a negative predictive value of 80%. In summary, the available evidence is currently insufficient to determine the role of this variant in disease. Therefore, it has been classified as a Variant of Uncertain Significance.

Ambry Genetics
Classification: Uncertain significance for Cardiovascular phenotype; Hereditary cancer-predisposing syndrome. Last evaluated: 2024-09-18. Review status: criteria provided, single submitter. Criteria: Ambry Variant Classification Scheme 2023. Collection method: clinical testing. Allele origin: germline.
Comment: The p.Q705P variant (also known as c.2114A>C), located in coding exon 18 of the LZTR1 gene, results from an A to C substitution at nucleotide position 2114. The glutamine at codon 705 is replaced by proline, an amino acid with similar properties. This amino acid position is conserved. In addition, this alteration is predicted to be deleterious by in silico analysis. Based on the available evidence, the clinical significance of this variant remains unclear.

Baylor Genetics
Classification: Uncertain significance for LZTR1-related schwannomatosis. Last evaluated: 2024-02-29. Review status: criteria provided, single submitter. Criteria: ACMG Guidelines, 2015. Collection method: clinical testing. Allele origin: unknown.